The following is an entry in ClinVar:

ClinVar aggregate classification (germline): Pathogenic/Likely pathogenic. Review status: criteria provided, multiple submitters, no conflicts (2 of 4 stars). 2 submissions from 2 submitters: Pathogenic (1); Likely pathogenic (1). Last evaluated 2025-12-03.

Conditions:
Autosomal recessive nonsyndromic hearing loss 79. Identifiers: Orphanet 90636, MedGen C2750082, MONDO:0013215, OMIM 613307.

Submissions (2):

Labcorp Genetics (formerly Invitae), Labcorp
Classification: Pathogenic. Last evaluated: 2025-12-03. Review status: criteria provided, single submitter. Criteria: Invitae Variant Classification Sherloc (09022015). Collection method: clinical testing. Allele origin: germline.
Comment: This sequence change creates a premature translational stop signal (p.Pro344Leufs*106) in the TPRN gene. It is expected to result in an absent or disrupted protein product. Loss-of-function variants in TPRN are known to be pathogenic (PMID: 20170898, 20170899). This variant is not present in population databases (gnomAD no frequency). This variant has not been reported in the literature in individuals affected with TPRN-related conditions. ClinVar contains an entry for this variant (Variation ID: 3780737). For these reasons, this variant has been classified as Pathogenic.

Department of Pathology and Laboratory Medicine, Sinai Health System
Classification: Likely pathogenic for Autosomal recessive nonsyndromic hearing loss 79. Last evaluated: 2022-04-21. Review status: criteria provided, single submitter. Criteria: ACMG Guidelines, 2015. Collection method: research. Allele origin: germline.

Literature cited by the submitters: PubMed 20170898 (cited by Labcorp Genetics (formerly Invitae), Labcorp); PubMed 20170899 (cited by Labcorp Genetics (formerly Invitae), Labcorp).

NM_001128228.3(TPRN):c.1031del (p.Pro344fs)

Gene: TPRN (taperin; minus strand). Cytogenetic location: 9q34.3.
Variant type: Deletion.
Coding change: c.1031del on transcript NM_001128228.3 (MANE Select); coding-DNA position 1031, one base deleted (C; older notation c.1031delC).
Protein change: p.Pro344fs; shifts the reading frame from proline 344.
Molecular consequence: frameshift variant.
Genome position (GRCh38, 1-based): chr9:137,199,681, G deleted on the plus strand (C on the coding strand, the reverse complement: TPRN is on the minus strand); the first of 2 consecutive G bases (chr9:137,199,681-137,199,682); deleting either gives the same sequence. VCF-style (leftmost placement, unchanged base first): chr9-137199680-AG-A. GRCh37 (hg19) VCF-style: chr9-140094132-AG-A.
Other names: short protein forms P344fs.
Identifiers: ClinVar variation 3780737 (VCV003780737.2).